The following is an entry in ClinVar:

ClinVar aggregate classification (germline): Uncertain significance (1 of 4 stars; one submission).

Conditions:
Malignant hyperthermia, susceptibility to, 5 (MHS5). Also called: CACNA1S-Related Malignant Hyperthermia Susceptibility. Identifiers: Orphanet 423, MedGen C1866077, MONDO:0011163, OMIM 601887.

gnomAD v4.1: 1 of 1,613,862 alleles (0.000062%); highest among the groups gnomAD compares: Non-Finnish European, 0.000085%; no homozygotes.

Submission:

All of Us Research Program, National Institutes of Health
Classification: Uncertain significance for Malignant hyperthermia, susceptibility to, 5. Last evaluated: 2023-07-10. Review status: criteria provided, single submitter. Criteria: ACMG Guidelines, 2015. Collection method: clinical testing. Allele origin: germline. Inheritance: Autosomal dominant inheritance. Observed: 1 variant allele, 1 heterozygote.
Comment: This variant causes a G to A nucleotide substitution at the +4 position of intron 12 of the CACNA1S gene. To our knowledge, functional studies have not been reported for this variant. This variant has not been reported in individuals affected with CACNA1S-related disorders in the literature. This variant has been identified in 1/251490 chromosomes in the general population by the Genome Aggregation Database (gnomAD). The available evidence is insufficient to determine the role of this variant in disease conclusively. Therefore, this variant is classified as a Variant of Uncertain Significance.

This study involves interpretation of variants in research participants for the purpose of population health screening. Participant phenotype was not available at the time of variant classification. Additional details can be found in publication PMID: 35346344, PMCID: PMC8962531

NM_000069.3(CACNA1S):c.1827+4G>A

Gene: CACNA1S (calcium voltage-gated channel subunit alpha1 S; minus strand). Cytogenetic location: 1q32.1.
Variant type: single nucleotide variant.
Coding change: c.1827+4G>A on transcript NM_000069.3 (MANE Select); 4 bases into the intron after coding-DNA position 1827, G replaced by A.
Molecular consequence: intron variant.
Genome position (GRCh38, 1-based): chr1:201,076,916, C>T on the plus strand (G>A on the coding strand, the complement: CACNA1S is on the minus strand). VCF-style: chr1-201076916-C-T. GRCh37 (hg19) VCF-style: chr1-201046044-C-T.
Identifiers: ClinVar variation 3072313 (VCV003072313.1), dbSNP rs1202075766, ClinGen allele CA528536698.